The following is an entry in ClinVar:

NM_144999.4(LRRC45):c.563G>A (p.Gly188Glu)

Gene: LRRC45 (leucine rich repeat containing 45; plus strand). Cytogenetic location: 17q25.3.
Variant type: single nucleotide variant.
Coding change: c.563G>A on transcript NM_144999.4 (MANE Select); coding-DNA position 563, G replaced by A.
Protein change: p.Gly188Glu; replaces glycine 188 with glutamic acid.
Molecular consequence: missense variant.
Genome position (GRCh38, 1-based): chr17:82,025,409, G>A. VCF-style: chr17-82025409-G-A. GRCh37 (hg19) VCF-style: chr17-79983285-G-A.
Other names: short protein forms G188E.
Identifiers: ClinVar variation 4985982 (VCV004985982.1).
Genomic context (GRCh38, chr17:82,025,409, plus strand): 5'-TCTGTCTGGTGACTACAGGTTTCCTTCCAGACCTGCGCTGGAATAACGTTGGCCTCCTGG[G>A]GGGCCGGGCCCTCATGAACTGTCTCCCCAGCAACAGAACCCTGTGGAGACTGGACCTGGC-3'
Protein context (NP_659436.1, residues 178-198): DLRWNNVGLL[Gly188Glu]GRALMNCLPS

ClinVar aggregate classification (germline): Uncertain significance (1 of 4 stars; one submission).

Conditions:
LRRC45-related disorder. Also called: LRRC45-related condition.

Submission:

PreventionGenetics, part of Exact Sciences
Classification: Uncertain significance for LRRC45-related condition. Last evaluated: 2026-04-27. Review status: criteria provided, single submitter. Criteria: ACMG Guidelines, 2015. Collection method: clinical testing. Allele origin: germline.
Comment: The LRRC45 c.563G>A variant is predicted to result in the amino acid substitution p.Gly188Glu. To our knowledge, this variant has not been reported in the literature or in a large population database (gnomAD), indicating this variant is rare. At this time, the clinical significance of this variant is uncertain due to the absence of conclusive functional and genetic evidence.